The following is an entry in ClinVar:

ClinVar aggregate classification (germline): Pathogenic (1 of 4 stars; one submission).

Submission:

Labcorp Genetics (formerly Invitae), Labcorp
Classification: Pathogenic. Last evaluated: 2025-10-19. Review status: criteria provided, single submitter. Criteria: Invitae Variant Classification Sherloc (09022015). Collection method: clinical testing. Allele origin: germline.
Comment: This sequence change creates a premature translational stop signal (p.Asp408delinsGly*) in the ABCC6 gene. It is expected to result in an absent or disrupted protein product. Loss-of-function variants in ABCC6 are known to be pathogenic (PMID: 11536079, 17617515). This variant is not present in population databases (gnomAD no frequency). This variant has not been reported in the literature in individuals affected with ABCC6-related conditions. For these reasons, this variant has been classified as Pathogenic.

Literature cited by the submitters: PubMed 11536079; PubMed 17617515.

NM_001171.6(ABCC6):c.1219_1222dup (p.Asp408delinsGlyTer)

Gene: ABCC6 (ATP binding cassette subfamily C member 6; minus strand). Cytogenetic location: 16p13.11.
Variant type: Microsatellite.
Coding change: c.1219_1222dup on transcript NM_001171.6 (MANE Select); coding-DNA positions 1219 to 1222, 4 bases duplicated (GGTG; older notation c.1219_1222dupGGTG).
Protein change: p.Asp408delinsGlyTer.
Molecular consequence: nonsense. On other transcripts: non-coding transcript variant (4).
Genome position (GRCh38, 1-based): chr16:16,198,137-16,198,140, CACC duplicated on the plus strand (GGTG on the coding strand, the reverse complement: ABCC6 is on the minus strand); duplicating any 4 consecutive bases within chr16:16,198,137-16,198,144 gives the same sequence; the c. name uses the placement nearest the transcript's 3' end. VCF-style (leftmost placement, unchanged base first): chr16-16198136-T-TCACC. GRCh37 (hg19) VCF-style: chr16-16291993-T-TCACC.
Other names: c.877_880dup, p.Asp294delinsGlyTer (NM_001351800.1); c.1219_1222dup, p.Asp408delinsGlyTer (NM_001440309.1, NM_001440310.1).
Identifiers: ClinVar variation 4804126 (VCV004804126.1).